The following is an entry in ClinVar:

ClinVar aggregate classification (germline): Uncertain significance. Review status: criteria provided, multiple submitters, no conflicts (2 of 4 stars). 2 submissions from 2 submitters: Uncertain significance (2). Last evaluated 2025-05-21.

Conditions:
Hereditary cancer-predisposing syndrome. Also called: Neoplastic Syndromes, Hereditary; Tumor predisposition; Hereditary Cancer Syndrome; Hereditary neoplastic syndrome. Identifiers: Orphanet 140162, MedGen C0027672, MeSH D009386, MONDO:0015356.

Allele frequency attached by ClinVar (database versions not stated): ExAC 0.00004.

Submissions (2):

Ambry Genetics
Classification: Uncertain significance for Hereditary cancer-predisposing syndrome. Last evaluated: 2025-05-21. Review status: criteria provided, single submitter. Criteria: Ambry Variant Classification Scheme 2023. Collection method: clinical testing. Allele origin: germline.
Comment: The p.W579G variant (also known as c.1735T>G), located in coding exon 12 of the MSH3 gene, results from a T to G substitution at nucleotide position 1735. The tryptophan at codon 579 is replaced by glycine, an amino acid with highly dissimilar properties. This amino acid position is highly conserved in available vertebrate species. In addition, this alteration is predicted to be deleterious by in silico analysis. Since supporting evidence is limited at this time, the clinical significance of this alteration remains unclear.

Labcorp Genetics (formerly Invitae), Labcorp
Classification: Uncertain significance. Last evaluated: 2023-12-10. Review status: criteria provided, single submitter. Criteria: Invitae Variant Classification Sherloc (09022015). Collection method: clinical testing. Allele origin: germline.
Comment: This sequence change replaces tryptophan, which is neutral and slightly polar, with glycine, which is neutral and non-polar, at codon 579 of the MSH3 protein (p.Trp579Gly). The frequency data for this variant in the population databases is considered unreliable, as metrics indicate poor data quality at this position in the gnomAD database. This variant has not been reported in the literature in individuals affected with MSH3-related conditions. ClinVar contains an entry for this variant (Variation ID: 1779070). An algorithm developed to predict the effect of missense changes on protein structure and function (PolyPhen-2) suggests that this variant is likely to be disruptive. In summary, the available evidence is currently insufficient to determine the role of this variant in disease. Therefore, it has been classified as a Variant of Uncertain Significance.

NM_002439.5(MSH3):c.1735T>G (p.Trp579Gly)

Gene: MSH3 (mutS homolog 3; plus strand). Cytogenetic location: 5q14.1.
Variant type: single nucleotide variant.
Coding change: c.1735T>G on transcript NM_002439.5 (MANE Select); coding-DNA position 1735, T replaced by G.
Protein change: p.Trp579Gly; replaces tryptophan 579 with glycine.
Molecular consequence: missense variant.
Genome position (GRCh38, 1-based): chr5:80,744,587, T>G. VCF-style: chr5-80744587-T-G. GRCh37 (hg19) VCF-style: chr5-80040406-T-G.
Other names: short protein forms W579G.
Identifiers: ClinVar variation 1779070 (VCV001779070.6), dbSNP rs774216885, ClinGen allele CA3328016.